The following is an entry in ClinVar:

ClinVar aggregate classification (germline): Uncertain significance (1 of 4 stars; one submission).

Conditions:
Developmental and epileptic encephalopathy, 37 (DEE37). Also called: Epileptic encephalopathy, early infantile, 37. Identifiers: MedGen C4310770, MONDO:0014859, OMIM 616981.

Allele frequency attached by ClinVar (database versions not stated): TOPMed below 0.00001; gnomAD exomes 0.00001.
gnomAD v4.1: 5 of 1,161,190 alleles (0.00043%); highest among the groups gnomAD compares: Non-Finnish European, 0.00053%; no homozygotes.

Submission:

Labcorp Genetics (formerly Invitae), Labcorp
Classification: Uncertain significance for Developmental and epileptic encephalopathy, 37. Last evaluated: 2022-10-25. Review status: criteria provided, single submitter. Criteria: Invitae Variant Classification Sherloc (09022015). Collection method: clinical testing. Allele origin: germline.
Comment: This sequence change replaces alanine, which is neutral and non-polar, with valine, which is neutral and non-polar, at codon 36 of the FRRS1L protein (p.Ala36Val). The frequency data for this variant in the population databases is considered unreliable, as metrics indicate insufficient coverage at this position in the gnomAD database. This variant has not been reported in the literature in individuals affected with FRRS1L-related conditions. ClinVar contains an entry for this variant (Variation ID: 1014146). Algorithms developed to predict the effect of missense changes on protein structure and function output the following: SIFT: "Deleterious"; PolyPhen-2: "Not Available"; Align-GVGD: "Class C0". The valine amino acid residue is found in multiple mammalian species, which suggests that this missense change does not adversely affect protein function. In summary, the available evidence is currently insufficient to determine the role of this variant in disease. Therefore, it has been classified as a Variant of Uncertain Significance.

NM_014334.4(FRRS1L):c.-47C>T

Gene: FRRS1L (ferric chelate reductase 1 like; minus strand). Cytogenetic location: 9q31.3.
Variant type: single nucleotide variant.
Coding change: c.-47C>T on transcript NM_014334.4 (MANE Select); 47 bases upstream of the start codon, C replaced by T.
Molecular consequence: 5 prime UTR variant.
Genome position (GRCh38, 1-based): chr9:109,167,185, G>A on the plus strand (C>T on the coding strand, the complement: FRRS1L is on the minus strand). VCF-style: chr9-109167185-G-A. GRCh37 (hg19) VCF-style: chr9-111929465-G-A.
Identifiers: ClinVar variation 1014146 (VCV001014146.6), dbSNP rs1831567095, ClinGen allele CA374430875.